The following is an entry in ClinVar:

NM_153704.6(TMEM67):c.905A>G (p.Gln302Arg)

Gene: TMEM67 (transmembrane protein 67; plus strand). Cytogenetic location: 8q22.1.
Variant type: single nucleotide variant.
Coding change: c.905A>G on transcript NM_153704.6 (MANE Select); coding-DNA position 905, A replaced by G.
Protein change: p.Gln302Arg; replaces glutamine 302 with arginine.
Molecular consequence: missense variant. On other transcripts: non-coding transcript variant (1).
Genome position (GRCh38, 1-based): chr8:93,780,909, A>G. VCF-style: chr8-93780909-A-G. GRCh37 (hg19) VCF-style: chr8-94793137-A-G.
Other names: c.662A>G, p.Gln221Arg (NM_001142301.1); short protein forms Q221R, Q302R.
Identifiers: ClinVar variation 1398156 (VCV001398156.4), dbSNP rs2130664380, ClinGen allele CA371688290.

ClinVar aggregate classification (germline): Uncertain significance (1 of 4 stars; one submission).

Conditions:
Joubert syndrome. Also called: CEREBELLOPARENCHYMAL DISORDER IV; JOUBERT-BOLTSHAUSER SYNDROME; Familial aplasia of the vermis. Identifiers: Orphanet 475, MedGen C5979921, MONDO:0018772.
Meckel-Gruber syndrome. Also called: DYSENCEPHALIA SPLANCHNOCYSTICA; GRUBER SYNDROME; Dysencephalia splachnocystica. Identifiers: Orphanet 564, MedGen C0265215, MONDO:0018921.

Allele frequency attached by ClinVar (database versions not stated): gnomAD exomes below 0.00001.
gnomAD v4.1: 2 of 1,612,484 alleles (0.00012%); highest among the groups gnomAD compares: African/African-American, 0.0027%; no homozygotes.

Submission:

Labcorp Genetics (formerly Invitae), Labcorp
Classification: Uncertain significance for Joubert syndrome; Meckel-Gruber syndrome. Last evaluated: 2022-07-19. Review status: criteria provided, single submitter. Criteria: Invitae Variant Classification Sherloc (09022015). Collection method: clinical testing. Allele origin: germline.
Comment: This sequence change replaces glutamine, which is neutral and polar, with arginine, which is basic and polar, at codon 302 of the TMEM67 protein (p.Gln302Arg). In summary, the available evidence is currently insufficient to determine the role of this variant in disease. Therefore, it has been classified as a Variant of Uncertain Significance. Algorithms developed to predict the effect of sequence changes on RNA splicing suggest that this variant may create or strengthen a splice site. Advanced modeling of protein sequence and biophysical properties (such as structural, functional, and spatial information, amino acid conservation, physicochemical variation, residue mobility, and thermodynamic stability) performed at Invitae indicates that this missense variant is not expected to disrupt TMEM67 protein function. ClinVar contains an entry for this variant (Variation ID: 1398156). This variant has not been reported in the literature in individuals affected with TMEM67-related conditions. This variant is not present in population databases (gnomAD no frequency).